The following is an entry in ClinVar:

NM_001288705.3(CSF1R):c.1996T>A (p.Cys666Ser)

Gene: CSF1R (colony stimulating factor 1 receptor; minus strand). Cytogenetic location: 5q32.
Variant type: single nucleotide variant.
Coding change: c.1996T>A on transcript NM_001288705.3 (MANE Select); coding-DNA position 1996, T replaced by A.
Protein change: p.Cys666Ser; replaces cysteine 666 with serine.
Molecular consequence: missense variant.
Genome position (GRCh38, 1-based): chr5:150,059,836, A>T on the plus strand (T>A on the coding strand, the complement: CSF1R is on the minus strand). VCF-style: chr5-150059836-A-T. GRCh37 (hg19) VCF-style: chr5-149439399-A-T.
Other names: c.1996T>A, p.Cys666Ser (NM_001349736.2, NM_001375320.1, NM_005211.4); c.1552T>A, p.Cys518Ser (NM_001375321.1); short protein forms C666S, C518S.
Identifiers: ClinVar variation 3635548 (VCV003635548.2).

ClinVar aggregate classification (germline): Uncertain significance (1 of 4 stars; one submission).

Submission:

Labcorp Genetics (formerly Invitae), Labcorp
Classification: Uncertain significance. Last evaluated: 2024-03-03. Review status: criteria provided, single submitter. Criteria: Invitae Variant Classification Sherloc (09022015). Collection method: clinical testing. Allele origin: germline.
Comment: This sequence change replaces cysteine, which is neutral and slightly polar, with serine, which is neutral and polar, at codon 666 of the CSF1R protein (p.Cys666Ser). This variant is not present in population databases (gnomAD no frequency). This variant has not been reported in the literature in individuals affected with CSF1R-related conditions. Advanced modeling of protein sequence and biophysical properties (such as structural, functional, and spatial information, amino acid conservation, physicochemical variation, residue mobility, and thermodynamic stability) has been performed at Invitae for this missense variant, however the output from this modeling did not meet the statistical confidence thresholds required to predict the impact of this variant on CSF1R protein function. In summary, the available evidence is currently insufficient to determine the role of this variant in disease. Therefore, it has been classified as a Variant of Uncertain Significance.